The following is an entry in ClinVar:

NM_001754.5(RUNX1):c.1250C>T (p.Ser417Phe)

Gene: RUNX1 (RUNX family transcription factor 1; minus strand). Cytogenetic location: 21q22.12.
Variant type: single nucleotide variant.
Coding change: c.1250C>T on transcript NM_001754.5 (MANE Select); coding-DNA position 1250, C replaced by T.
Protein change: p.Ser417Phe; replaces serine 417 with phenylalanine.
Molecular consequence: missense variant.
Genome position (GRCh38, 1-based): chr21:34,792,328, G>A on the plus strand (C>T on the coding strand, the complement: RUNX1 is on the minus strand). VCF-style: chr21-34792328-G-A. GRCh37 (hg19) VCF-style: chr21-36164625-G-A.
Other names: NM_001754.5(RUNX1):c.1250C>T; p.Ser417Phe; c.1169C>T, p.Ser390Phe (NM_001001890.3); short protein forms S390F, S417F.
Identifiers: ClinVar variation 2089191 (VCV002089191.5), dbSNP rs2145874727, ClinGen allele CA410147650.

ClinVar aggregate classification (germline): Uncertain significance. Review status: reviewed by expert panel (3 of 4 stars). 2 submissions from 2 submitters: Uncertain significance (1). 1 of the submissions does not count toward it. Last evaluated 2024-07-25.

Conditions:
Hereditary thrombocytopenia and hematological cancer predisposition syndrome associated with RUNX1. Also called: Familial Platelet Disorder with Propensity to Acute Myelogenous Leukemia; Familial thrombocytopenia with propensity to acute myelogenous leukemia; PLATELET DISORDER, ASPIRIN-LIKE; RUNX1 Familial Platelet Disorder with Associated Myeloid Malignancies. Identifiers: Orphanet 71290, MedGen C1832388, MeSH C563324, MONDO:0100083, OMIM 601399.
Hereditary thrombocytopenia and hematologic cancer predisposition syndrome. Identifiers: Orphanet 71290, MedGen CN281654, MONDO:0011071.

Submissions (2):

ClinGen Myeloid Malignancy Variant Curation Expert Panel
Classification: Uncertain significance for Hereditary thrombocytopenia and hematologic cancer predisposition syndrome. Last evaluated: 2024-07-25. Review status: reviewed by expert panel. Criteria: ClinGen MyeloMalig ACMG Specifications v2. Collection method: curation. Allele origin: germline. Inheritance: Autosomal dominant inheritance.
Comment: NM_001754.5(RUNX1):c.1250C>T (p.Ser417Phe) is a missense variant which is completely absent from all population databases with at least 20x coverage for RUNX1 in gnomAD v2.1.1 and v3.1.2 (PM2_supporting). This missense variant has a REVEL score < 0.50 (0.466) and a SpliceAI score ≤ 0.20 (0.0) (BP4). This variant was reported in ClinVar in 2022 by Invitae, but the affected status of the proband is unknown (Variation ID 2089191). In summary, the clinical significance of this variant is uncertain. ACMG/AMP criteria applied, as specified by the Myeloid Malignancy Variant Curation Expert Panel for RUNX1: PM2_supporting, BP4.

Labcorp Genetics (formerly Invitae), Labcorp
Classification: Uncertain significance for Hereditary thrombocytopenia and hematological cancer predisposition syndrome associated with RUNX1. Last evaluated: 2022-01-23. Review status: criteria provided, single submitter. Criteria: Invitae Variant Classification Sherloc (09022015). Collection method: clinical testing. Allele origin: germline. Not counted in ClinVar's aggregate classification.
Comment: In summary, the available evidence is currently insufficient to determine the role of this variant in disease. Therefore, it has been classified as a Variant of Uncertain Significance. Algorithms developed to predict the effect of missense changes on protein structure and function are either unavailable or do not agree on the potential impact of this missense change (SIFT: "Deleterious"; PolyPhen-2: "Possibly Damaging"; Align-GVGD: "Class C15"). This variant has not been reported in the literature in individuals affected with RUNX1-related conditions. This variant is not present in population databases (gnomAD no frequency). This sequence change replaces serine, which is neutral and polar, with phenylalanine, which is neutral and non-polar, at codon 417 of the RUNX1 protein (p.Ser417Phe).